The following is an entry in ClinVar:

NM_015046.7(SETX):c.3307G>T (p.Val1103Phe)

Gene: SETX (senataxin; minus strand). Cytogenetic location: 9q34.13.
Variant type: single nucleotide variant.
Coding change: c.3307G>T on transcript NM_015046.7 (MANE Select); coding-DNA position 3307, G replaced by T.
Protein change: p.Val1103Phe; replaces valine 1103 with phenylalanine.
Molecular consequence: missense variant.
Genome position (GRCh38, 1-based): chr9:132,328,291, C>A on the plus strand (G>T on the coding strand, the complement: SETX is on the minus strand). VCF-style: chr9-132328291-C-A. GRCh37 (hg19) VCF-style: chr9-135203678-C-A.
Other names: p.Val1103Phe; c.3307G>T, p.Val1103Phe (NM_001351527.2, NM_001351528.2); short protein forms V1103F.
Identifiers: ClinVar variation 3379914 (VCV003379914.1).

ClinVar aggregate classification (germline): Uncertain significance (1 of 4 stars; one submission).

gnomAD v4.1: 1 of 1,613,934 alleles (0.000062%); highest among the groups gnomAD compares: Non-Finnish European, 0.000085%; no homozygotes.

Submission:

Mayo Clinic Laboratories, Mayo Clinic
Classification: Uncertain significance. Last evaluated: 2024-03-04. Review status: criteria provided, single submitter. Criteria: ACMG Guidelines, 2015. Collection method: clinical testing. Allele origin: germline. Observed: 1 variant allele.
Comment: PM2_moderate